The following is an entry in ClinVar:

NM_001267550.2(TTN):c.99345T>G (p.Gly33115=)

Genes: TTN (titin; minus strand), TTN-AS1 (TTN antisense RNA 1; plus strand). Cytogenetic location: 2q31.2.
Variant type: single nucleotide variant.
Coding change: c.99345T>G on transcript NM_001267550.2 (MANE Select); coding-DNA position 99345, T replaced by G.
Protein change: p.Gly33115=; no amino-acid change (glycine 33115 retained).
Molecular consequence: synonymous variant.
Genome position (GRCh38, 1-based): chr2:178,537,862, A>C on the plus strand (T>G on the coding strand, the complement: TTN is on the minus strand). VCF-style: chr2-178537862-A-C. GRCh37 (hg19) VCF-style: chr2-179402589-A-C.
Other names: p.G31474G:GGT>GGG; c.94422T>G, p.Gly31474= (NM_001256850.1); c.72150T>G, p.Gly24050= (NM_003319.4); c.91641T>G, p.Gly30547= (NM_133378.4); c.72525T>G, p.Gly24175= (NM_133432.3); c.72726T>G, p.Gly24242= (NM_133437.4).
Identifiers: ClinVar variation 165672 (VCV000165672.41), dbSNP rs56398525, ClinGen allele CA295523.

ClinVar aggregate classification (germline): Benign/Likely benign. Review status: criteria provided, multiple submitters, no conflicts (2 of 4 stars). 23 submissions from 16 submitters: Benign (14); Likely benign (5). 4 of the submissions do not count toward it. Last evaluated 2026-09-21.

Conditions:
Dilated cardiomyopathy 1G (CMD1G). Identifiers: Orphanet 154, MedGen C1858763, MONDO:0011400, OMIM 604145.
Autosomal recessive limb-girdle muscular dystrophy type 2J (LGMDR10). Also called: MUSCULAR DYSTROPHY, LIMB-GIRDLE, AUTOSOMAL RECESSIVE 10; Limb-girdle muscular dystrophy, type 2J. Identifiers: Orphanet 140922, MedGen C1837342, MONDO:0012127, OMIM 608807.
TTN-related disorder. Also called: TTN-related disorders; TTN-related condition; TTN-related disease.
Cardiovascular phenotype. Identifiers: MedGen CN230736.
Cardiomyopathy (CMYO). Also called: Cardiomyopathies. Identifiers: Orphanet 167848, MedGen C0878544, MONDO:0004994, HP:0001638. Inheritance: Various modes of inheritance.
Early-onset myopathy with fatal cardiomyopathy (CMYO5). Also called: CONGENITAL MYOPATHY 5 WITH CARDIOMYOPATHY; Salih Myopathy. Identifiers: Orphanet 289377, MedGen C2673677, MONDO:0012714, OMIM 611705. Disease mechanism: loss of function.
Tibial muscular dystrophy (TMD). Also called: Udd Distal Myopathy – Tibial Muscular Dystrophy; Tibial muscular dystrophy, tardive; UDD MYOPATHY. Identifiers: Orphanet 609, MedGen C1838244, MONDO:0010870, OMIM 600334.
Myopathy, myofibrillar, 9, with early respiratory failure (MFM9). Also called: Hereditary myopathy with early respiratory failure; EDSTROM MYOPATHY; Myopathy, distal, with early respiratory failure, autosomal dominant; MYOPATHY, PROXIMAL, WITH EARLY RESPIRATORY MUSCLE INVOLVEMENT. Identifiers: Orphanet 178464, Orphanet 34521, MedGen C1863599, MONDO:0011362, OMIM 603689.

Allele frequency attached by ClinVar (database versions not stated): gnomAD exomes 0.00141 and 0.00039; ESP Exome Variant Server 0.00008; gnomAD 0.00074 and 0.00044; ExAC 0.00132; 1000 Genomes Project 0.00559; 1000 Genomes Project 30x 0.00625; TOPMed 0.00075.
gnomAD v4.1: 705 of 1,613,474 alleles (0.044%); highest among the groups gnomAD compares: East Asian, 1.3%; 8 homozygotes.

Submissions (23):

Molecular Diagnostic Laboratory for Inherited Cardiovascular Disease, Montreal Heart Institute
Classification: Benign. Last evaluated: 2026-09-21. Review status: criteria provided, single submitter. Criteria: ACMG Guidelines, 2015. Collection method: clinical testing. Allele origin: germline. Affected: no.
Comment: BS1;BP7

CeGaT Center for Human Genetics Tuebingen
Classification: Likely benign. Last evaluated: 2026-06-01. Review status: criteria provided, single submitter. Criteria: CeGaT Center For Human Genetics Tuebingen Variant Classification Criteria Version 2. Collection method: clinical testing. Allele origin: germline. Affected: yes. Observed: 1 variant allele.
Comment: TTN: BP4, BP7, BS1

Labcorp Genetics (formerly Invitae), Labcorp
Classification: Benign for Dilated cardiomyopathy 1G; Autosomal recessive limb-girdle muscular dystrophy type 2J. Last evaluated: 2026-02-01. Review status: criteria provided, single submitter. Criteria: Invitae Variant Classification Sherloc (09022015). Collection method: clinical testing. Allele origin: germline.

Blueprint Genetics
Classification: Likely benign. Last evaluated: 2024-11-11. Review status: criteria provided, single submitter. Criteria: ACMG Guidelines, 2015. Collection method: clinical testing. Allele origin: germline.

Women's Health and Genetics/Laboratory Corporation of America, LabCorp
Classification: Benign. Last evaluated: 2023-05-15. Review status: criteria provided, single submitter. Criteria: LabCorp Variant Classification Summary - May 2015. Collection method: clinical testing. Allele origin: germline.

Genome-Nilou Lab
Classification: Benign for Autosomal recessive limb-girdle muscular dystrophy type 2J. Last evaluated: 2021-09-10. Review status: criteria provided, single submitter. Criteria: ACMG Guidelines, 2015. Collection method: clinical testing. Allele origin: germline. Affected: no.

Genome-Nilou Lab
Classification: Benign for Myopathy, myofibrillar, 9, with early respiratory failure. Last evaluated: 2021-09-10. Review status: criteria provided, single submitter. Criteria: ACMG Guidelines, 2015. Collection method: clinical testing. Allele origin: germline. Affected: no.

Genome-Nilou Lab
Classification: Benign for Early-onset myopathy with fatal cardiomyopathy. Last evaluated: 2021-09-10. Review status: criteria provided, single submitter. Criteria: ACMG Guidelines, 2015. Collection method: clinical testing. Allele origin: germline. Affected: no.

Genome-Nilou Lab
Classification: Benign for Tibial muscular dystrophy. Last evaluated: 2021-09-10. Review status: criteria provided, single submitter. Criteria: ACMG Guidelines, 2015. Collection method: clinical testing. Allele origin: germline. Affected: no.

Illumina Laboratory Services, Illumina
Classification: Benign for Tibial muscular dystrophy. Last evaluated: 2018-01-12. Review status: criteria provided, single submitter. Criteria: ICSL Variant Classification Criteria 13 December 2019. Collection method: clinical testing. Allele origin: germline.
Comment: This variant was observed in the ICSL laboratory as part of a predisposition screen in an ostensibly healthy population. It had not been previously curated by ICSL or reported in the Human Gene Mutation Database (HGMD: prior to June 1st, 2018), and was therefore a candidate for classification through an automated scoring system. Utilizing variant allele frequency, disease prevalence and penetrance estimates, and inheritance mode, an automated score was calculated to assess if this variant is too frequent to cause the disease. Based on the score and internal cut-off values, a variant classified as benign is not then subjected to further curation. The score for this variant resulted in a classification of benign for this disease.

Illumina Laboratory Services, Illumina
Classification: Likely benign for Autosomal recessive limb-girdle muscular dystrophy type 2J. Last evaluated: 2018-01-12. Review status: criteria provided, single submitter. Criteria: ICSL Variant Classification Criteria 13 December 2019. Collection method: clinical testing. Allele origin: germline.
Comment: This variant was observed in the ICSL laboratory as part of a predisposition screen in an ostensibly healthy population. It had not been previously curated by ICSL or reported in the Human Gene Mutation Database (HGMD: prior to June 1st, 2018), and was therefore a candidate for classification through an automated scoring system. Utilizing variant allele frequency, disease prevalence and penetrance estimates, and inheritance mode, an automated score was calculated to assess if this variant is too frequent to cause the disease. Based on the score and internal cut-off values, a variant classified as likely benign is not then subjected to further curation. The score for this variant resulted in a classification of likely benign for this disease.

Illumina Laboratory Services, Illumina
Classification: Benign for Myopathy, myofibrillar, 9, with early respiratory failure. Last evaluated: 2018-01-12. Review status: criteria provided, single submitter. Criteria: ICSL Variant Classification Criteria 13 December 2019. Collection method: clinical testing. Allele origin: germline.
Comment: the same text as in the submission from Illumina Laboratory Services, Illumina above.

Illumina Laboratory Services, Illumina
Classification: Likely benign for Dilated cardiomyopathy 1G. Last evaluated: 2018-01-12. Review status: criteria provided, single submitter. Criteria: ICSL Variant Classification Criteria 13 December 2019. Collection method: clinical testing. Allele origin: germline.
Comment: the same text as in the submission from Illumina Laboratory Services, Illumina above.

Illumina Laboratory Services, Illumina
Classification: Likely benign for Early-onset myopathy with fatal cardiomyopathy. Last evaluated: 2018-01-12. Review status: criteria provided, single submitter. Criteria: ICSL Variant Classification Criteria 13 December 2019. Collection method: clinical testing. Allele origin: germline.
Comment: the same text as in the submission from Illumina Laboratory Services, Illumina above.

Athena Diagnostics
Classification: Benign. Last evaluated: 2017-03-01. Review status: criteria provided, single submitter. Criteria: Athena Diagnostics Criteria. Collection method: clinical testing. Allele origin: germline.

CHEO Genetics Diagnostic Laboratory, Children's Hospital of Eastern Ontario
Classification: Benign for Cardiomyopathy. Last evaluated: 2016-10-02. Review status: criteria provided, single submitter. Criteria: ACMG Guidelines, 2015. Collection method: clinical testing. Allele origin: germline. Study: Canadian Open Genetics Repository.

Ambry Genetics
Classification: Benign for Cardiovascular phenotype. Last evaluated: 2016-05-14. Review status: criteria provided, single submitter. Criteria: Ambry Variant Classification Scheme 2023. Collection method: clinical testing. Allele origin: germline.

Laboratory for Molecular Medicine, Mass General Brigham Personalized Medicine
Classification: Benign. Last evaluated: 2015-03-13. Review status: criteria provided, single submitter. Criteria: LMM Criteria. Collection method: clinical testing. Allele origin: germline. Observed: 3 variant alleles.
Comment: p.Gly30547Gly in exon 304 of TTN: This variant is not expected to have clinical significance because it has been identified in 1.8% (149/8228) of East Asian chr omosomes by the Exome Aggregation Consortium (ExAC, rg; dbSNP rs56398525).

GeneDx
Classification: Benign. Last evaluated: 2014-08-27. Review status: criteria provided, single submitter. Criteria: GeneDx Variant Classification (06012015). Collection method: clinical testing. Allele origin: germline. Affected: yes.
Comment: This variant is considered likely benign or benign based on one or more of the following criteria: it is a conservative change, it occurs at a poorly conserved position in the protein, it is predicted to be benign by multiple in silico algorithms, and/or has population frequency not consistent with disease.

PreventionGenetics, part of Exact Sciences
Classification: Benign for TTN-related condition. Last evaluated: 2023-12-07. Review status: no assertion criteria provided. Collection method: clinical testing. Allele origin: germline. Not counted in ClinVar's aggregate classification.
Comment: This variant is classified as benign based on ACMG/AMP sequence variant interpretation guidelines (Richards et al. 2015 PMID: 25741868, with internal and published modifications).

Clinical Genetics DNA and cytogenetics Diagnostics Lab, Erasmus MC, Erasmus Medical Center
Classification: Benign. Review status: no assertion criteria provided. Collection method: clinical testing. Allele origin: germline. Affected: yes. Study: VKGL Data-share Consensus. Not counted in ClinVar's aggregate classification.

Clinical Genetics, Academic Medical Center
Classification: Benign. Review status: no assertion criteria provided. Collection method: clinical testing. Allele origin: germline. Affected: yes. Study: VKGL Data-share Consensus. Not counted in ClinVar's aggregate classification.

Diagnostic Laboratory, Department of Genetics, University Medical Center Groningen
Classification: Likely benign. Review status: no assertion criteria provided. Collection method: clinical testing. Allele origin: germline. Affected: yes. Study: VKGL Data-share Consensus. Not counted in ClinVar's aggregate classification.